The following is an entry in ClinVar:

NM_001329943.3(KIAA0586):c.3763C>A (p.Gln1255Lys)

Gene: KIAA0586 (KIAA0586; plus strand). Cytogenetic location: 14q23.1.
Variant type: single nucleotide variant.
Coding change: c.3763C>A on transcript NM_001329943.3 (MANE Select); coding-DNA position 3763, C replaced by A.
Protein change: p.Gln1255Lys; replaces glutamine 1255 with lysine.
Molecular consequence: missense variant.
Genome position (GRCh38, 1-based): chr14:58,488,856, C>A. VCF-style: chr14-58488856-C-A. GRCh37 (hg19) VCF-style: chr14-58955574-C-A.
Other names: c.3763C>A, p.Gln1255Lys (NM_001329946.2, NM_001329947.2, NM_001329944.2); c.3343C>A, p.Gln1115Lys (NM_001244193.2); c.3922C>A, p.Gln1308Lys (NM_001244189.2); c.3718C>A, p.Gln1240Lys (NM_001244190.2); c.3508C>A, p.Gln1170Lys (NM_001244191.2, NM_001329945.2, NM_001364700.1 and 1 more transcripts); c.3631C>A, p.Gln1211Lys (NM_001244192.2); c.3535C>A, p.Gln1179Lys (NM_014749.5); short protein forms Q1115K, Q1170K, Q1179K, Q1211K, Q1240K, Q1255K, Q1308K.
Identifiers: ClinVar variation 3752856 (VCV003752856.2).
Genomic context (GRCh38, chr14:58,488,856, plus strand): 5'-ACTGAAACTGAAACTTTAGATAAACCCATCTCTGAAGGAGAGATTTTATTTAGCTGTGGT[C>A]AAAAATTGGCCCCCAAGAGTAAGTTAATTTGTATTAGTTGATTTTACTTGTTAGATTATG-3'
Protein context (NP_001316872.1, residues 1245-1265): SEGEILFSCG[Gln1255Lys]KLAPKILEDI

ClinVar aggregate classification (germline): Uncertain significance (1 of 4 stars; one submission).

Conditions:
Short-rib thoracic dysplasia 14 with polydactyly (SRTD14). Identifiers: Orphanet 397715, MedGen C4225286, MONDO:0014688, OMIM 616546.
Joubert syndrome 23 (JBTS23). Identifiers: Orphanet 475, MedGen C4084822, MONDO:0014664, OMIM 616490.

gnomAD v4.1: 2 of 1,613,474 alleles (0.00012%); highest among the groups gnomAD compares: East Asian, 0.0022%; no homozygotes.

Submission:

Labcorp Genetics (formerly Invitae), Labcorp
Classification: Uncertain significance for Joubert syndrome 23; Short-rib thoracic dysplasia 14 with polydactyly. Last evaluated: 2024-07-12. Review status: criteria provided, single submitter. Criteria: Invitae Variant Classification Sherloc (09022015). Collection method: clinical testing. Allele origin: germline.
Comment: This sequence change replaces glutamine, which is neutral and polar, with lysine, which is basic and polar, at codon 1308 of the KIAA0586 protein (p.Gln1308Lys). This variant is present in population databases (rs769216411, gnomAD 0.006%). This variant has not been reported in the literature in individuals affected with KIAA0586-related conditions. Advanced modeling of protein sequence and biophysical properties (such as structural, functional, and spatial information, amino acid conservation, physicochemical variation, residue mobility, and thermodynamic stability) performed at Invitae indicates that this missense variant is not expected to disrupt KIAA0586 protein function with a negative predictive value of 80%. In summary, the available evidence is currently insufficient to determine the role of this variant in disease. Therefore, it has been classified as a Variant of Uncertain Significance.